The following is an entry in ClinVar:

NM_175914.5(HNF4A):c.956T>C (p.Leu319Pro)

Gene: HNF4A (hepatocyte nuclear factor 4 alpha; plus strand). Cytogenetic location: 20q13.12.
Variant type: single nucleotide variant.
Coding change: c.956T>C on transcript NM_175914.5 (MANE Select); coding-DNA position 956, T replaced by C.
Protein change: p.Leu319Pro; replaces leucine 319 with proline.
Molecular consequence: missense variant.
Genome position (GRCh38, 1-based): chr20:44,424,147, T>C. VCF-style: chr20-44424147-T-C. GRCh37 (hg19) VCF-style: chr20-43052787-T-C.
Other names: NM_175914.5(HNF4A):c.956T>C; p.Leu319Pro; c.1022T>C, p.Leu341Pro (NM_000457.6, NM_178849.3, NM_178850.3); c.956T>C, p.Leu319Pro (NM_001030003.3, NM_001030004.3); c.1001T>C, p.Leu334Pro (NM_001258355.2); c.947T>C, p.Leu316Pro (NM_001287182.2, NM_001287183.2, NM_001287184.2); short protein forms L316P, L319P, L334P, L341P.
Identifiers: ClinVar variation 987818 (VCV000987818.2), dbSNP rs2063786151, ClinGen allele CA409108350.

ClinVar aggregate classification (germline): Pathogenic. Review status: reviewed by expert panel (3 of 4 stars). 2 submissions from 2 submitters: Pathogenic (1). 1 of the submissions does not count toward it. Last evaluated 2024-12-02.

Conditions:
Monogenic diabetes. Identifiers: Orphanet 183625, MedGen C3888631, MONDO:0015967.
Maturity-onset diabetes of the young (MODY). Also called: Maturity onset diabetes mellitus in young. Identifiers: Orphanet 552, MedGen C0342276, MONDO:0018911, HP:0004904.

Allele frequency attached by ClinVar (database versions not stated): gnomAD exomes below 0.00001.
gnomAD v4.1: 1 of 1,613,694 alleles (0.000062%); highest among the groups gnomAD compares: Non-Finnish European, 0.000085%; no homozygotes.

Submissions (2):

ClinGen Monogenic Diabetes Variant Curation Expert Panel
Classification: Pathogenic for Monogenic diabetes. Last evaluated: 2024-12-02. Review status: reviewed by expert panel. Criteria: ClinGen Diabetes ACMG Specifications HNF4A V2.0.0. Collection method: curation. Allele origin: germline. Inheritance: Autosomal dominant inheritance.
Comment: The c.956T>C variant in the hepatocyte nuclear factor 4 alpha gene, HNF4A, is a missense variant at codon 319 (p.(Leu319Pro)) of NM_175914.5. This variant is absent from gnomAD v2.1.1 (PM2_Supporting). This variant is predicted to be deleterious by computational evidence, with a REVEL score of 0.995, which is greater than the MDEP VCEP threshold of 0.70 (PP3).This variant is located within the ligand-binding domain (codons 300-350) of HNF4A, which is defined as critical for the protein's function by the ClinGen MDEP (PM1_Supporting). This variant was identified in 5 unrelated individuals with non- autoimmune and non-absolute/near-absolute insulin-deficient diabetes (PS4_Moderate; PMID:27810688, internal lab contributors). One of these individuals had a clinical history highly specific for HNF4A-monogenic diabetes (MODY probability calculator result >50%, negative genetic testing for HNF1A, and sulfonylurea-sensitive)(PP4_Moderate; internal lab contributors). This variant segregated with diabetes, with at least 6 meioses in 3 Exeter families (PP1_Strong; internal lab contributors). Functional studies are inconclusive in evaluating the effect of this variant on transactivation activity, as it displayed no statistical difference from WT activity when evaluated using the HNF4A/1A promoter, but a reduction in activity with the PDZK1 promoter; therefore neither PS3 nor BS3 will be applied (PMID: 30191603). In summary, c.956T>C meets the criteria to be classified as Pathogenic for monogenic diabetes. ACMG/AMP criteria applied, as specified by the ClinGen MDEP VCEP (specification version 2.0.0, approved 10/11/2023): PM2_Supporting, PP3, PM1_Supporting, PS4_Moderate, PP4_Moderate, PP1_Strong.

Women's Health and Genetics/Laboratory Corporation of America, LabCorp
Classification: Pathogenic for Maturity onset diabetes mellitus in young. Last evaluated: 2020-11-10. Review status: criteria provided, single submitter. Criteria: LabCorp Variant Classification Summary - May 2015. Collection method: clinical testing. Allele origin: germline. Not counted in ClinVar's aggregate classification.
Comment: Variant summary: HNF4A c.956T>C (p.Leu319Pro), also reported as p.Leu341Pro, p.Leu332Pro, results in a non-conservative amino acid change located in the Nuclear hormone receptor, ligand-binding domain (IPR000536) of the encoded protein sequence. Five of five in-silico tools predict a damaging effect of the variant on protein function. The variant was absent in 249596 control chromosomes (gnomAD). c.956T>C has been reported in the literature in multiple individuals affected with Maturity Onset Diabetes of the Young 1/Neonatal Diabetes Mellitus (example, Kwak_2016, Pearson_2005, Pearson_2007). These data indicate that the variant is very likely to be associated with disease. In in vitro cell based assays measuring promoter activity of HNF4alpha target promoters, the variant showed moderately reduced activity (Guo_2019). No clinical diagnostic laboratories have submitted clinical-significance assessments for this variant to ClinVar after 2014. Based on the evidence outlined above, the variant was classified as pathogenic.

Literature cited by the submitters: PubMed 15830177 (cited by Women's Health and Genetics/Laboratory Corporation of America, LabCorp); PubMed 17407387 (cited by Women's Health and Genetics/Laboratory Corporation of America, LabCorp); PubMed 30191603 (cited by Women's Health and Genetics/Laboratory Corporation of America, LabCorp); PubMed 27810688 (cited by Women's Health and Genetics/Laboratory Corporation of America, LabCorp).